The following is an entry in ClinVar:

ClinVar aggregate classification (germline): Uncertain significance (1 of 4 stars; one submission).

Conditions:
Progressive microcephaly-seizures-cortical blindness-developmental delay syndrome. Also called: Seizures, cortical blindness, and microcephaly syndrome. Identifiers: Orphanet 477814, MedGen C5567650, MONDO:0014714, OMIM 616632.
Autosomal dominant nonsyndromic hearing loss 1. Also called: DEAFNESS, AUTOSOMAL DOMINANT 1, WITH OR WITHOUT THROMBOCYTOPENIA; KONIGSMARK SYNDROME. Identifiers: Orphanet 90635, MedGen C1852282, MONDO:0007424, OMIM 124900.

gnomAD v4.1: 1 of 1,614,030 alleles (0.000062%); no homozygotes.

Submission:

Labcorp Genetics (formerly Invitae), Labcorp
Classification: Uncertain significance for Progressive microcephaly-seizures-cortical blindness-developmental delay syndrome; Autosomal dominant nonsyndromic hearing loss 1. Last evaluated: 2023-02-20. Review status: criteria provided, single submitter. Criteria: Invitae Variant Classification Sherloc (09022015). Collection method: clinical testing. Allele origin: germline.
Comment: In summary, the available evidence is currently insufficient to determine the role of this variant in disease. Therefore, it has been classified as a Variant of Uncertain Significance. An algorithm developed to predict the effect of missense changes on protein structure and function (PolyPhen-2) suggests that this variant is likely to be tolerated. This variant has not been reported in the literature in individuals affected with DIAPH1-related conditions. This variant is not present in population databases (gnomAD no frequency). This sequence change replaces isoleucine, which is neutral and non-polar, with valine, which is neutral and non-polar, at codon 1187 of the DIAPH1 protein (p.Ile1187Val).

NM_005219.5(DIAPH1):c.3559A>G (p.Ile1187Val)

Gene: DIAPH1 (diaphanous related formin 1; minus strand). Cytogenetic location: 5q31.3.
Variant type: single nucleotide variant.
Coding change: c.3559A>G on transcript NM_005219.5 (MANE Select); coding-DNA position 3559, A replaced by G.
Protein change: p.Ile1187Val; replaces isoleucine 1187 with valine.
Molecular consequence: missense variant.
Genome position (GRCh38, 1-based): chr5:141,526,053, T>C on the plus strand (A>G on the coding strand, the complement: DIAPH1 is on the minus strand). VCF-style: chr5-141526053-T-C. GRCh37 (hg19) VCF-style: chr5-140905620-T-C.
Other names: c.3532A>G, p.Ile1178Val (NM_001079812.3); c.3559A>G, p.Ile1187Val (NM_001314007.2); short protein forms I1178V, I1187V.
Identifiers: ClinVar variation 2154604 (VCV002154604.4), dbSNP rs370443000, ClinGen allele CA361576770.